The following is an entry in ClinVar:

ClinVar aggregate classification (germline): Conflicting classifications of pathogenicity. Review status: criteria provided, conflicting classifications (1 of 4 stars). 2 submissions from 2 submitters: Uncertain significance (1); Benign (1). Last evaluated 2025-03-16.

Conditions:
Hyperaldosteronism, familial, type IV (HALD4). Also called: FH IV; ALDOSTERONISM, PRIMARY, AND HYPERTENSION. Identifiers: Orphanet 642671, MedGen C4310756, MONDO:0014875, OMIM 617027.
Idiopathic generalized epilepsy. Also called: EIG; Generalised epilepsy. Identifiers: MedGen C0270850, MONDO:0005579, OMIM 600669.
Epilepsy, childhood absence, susceptibility to, 6. Identifiers: Orphanet 64280, MedGen C2749872, MONDO:0012763, OMIM 611942.

Allele frequency attached by ClinVar (database versions not stated): gnomAD 0.00001; TOPMed 0.00001; gnomAD exomes 0.00002.
gnomAD v4.1: 41 of 1,612,240 alleles (0.0025%); highest among the groups gnomAD compares: Non-Finnish European, 0.0031%; no homozygotes.

Submissions (2):

Labcorp Genetics (formerly Invitae), Labcorp
Classification: Benign for Idiopathic generalized epilepsy; Hyperaldosteronism, familial, type IV. Last evaluated: 2025-03-16. Review status: criteria provided, single submitter. Criteria: Invitae Variant Classification Sherloc (09022015). Collection method: clinical testing. Allele origin: germline.

Baylor Genetics
Classification: Uncertain significance for Epilepsy, childhood absence, susceptibility to, 6. Last evaluated: 2018-11-07. Review status: criteria provided, single submitter. Criteria: ACMG Guidelines, 2015. Collection method: clinical testing. Allele origin: maternal. Affected: yes. Study: CSER-TexasKidsCanSeq.
Comment: This variant was determined to be of uncertain significance according to ACMG Guidelines, 2015 [PMID:25741868].

NM_021098.3(CACNA1H):c.6965G>A (p.Arg2322Gln)

Gene: CACNA1H (calcium voltage-gated channel subunit alpha1 H; plus strand). Cytogenetic location: 16p13.3.
Variant type: single nucleotide variant.
Coding change: c.6965G>A on transcript NM_021098.3 (MANE Select); coding-DNA position 6965, G replaced by A.
Protein change: p.Arg2322Gln; replaces arginine 2322 with glutamine.
Molecular consequence: missense variant.
Genome position (GRCh38, 1-based): chr16:1,220,897, G>A. VCF-style: chr16-1220897-G-A. GRCh37 (hg19) VCF-style: chr16-1270897-G-A.
Other names: c.6947G>A, p.Arg2316Gln (NM_001005407.2); short protein forms R2316Q, R2322Q.
Identifiers: ClinVar variation 845134 (VCV000845134.10), dbSNP rs1468102052, ClinGen allele CA394151483.